The following is an entry in ClinVar:

NM_002473.6(MYH9):c.333+62del

Gene: MYH9 (myosin heavy chain 9; minus strand). Cytogenetic location: 22q12.3.
Variant type: Deletion.
Coding change: c.333+62del on transcript NM_002473.6 (MANE Select); 62 bases into the intron after coding-DNA position 333, one base deleted (G; older notation c.333+62delG).
Molecular consequence: intron variant.
Genome position (GRCh38, 1-based): chr22:36,348,842, C deleted on the plus strand (G on the coding strand, the reverse complement: MYH9 is on the minus strand); the first of 12 consecutive C bases (chr22:36,348,842-36,348,853); deleting any one gives the same sequence. VCF-style (leftmost placement, unchanged base first): chr22-36348841-GC-G. GRCh37 (hg19) VCF-style: chr22-36744886-GC-G.
Identifiers: ClinVar variation 1223912 (VCV001223912.5), dbSNP rs56147525, ClinGen allele CA323963217.
Genomic context (GRCh38, chr22:36,348,841, plus strand): 5'-CAAGCCCCCTTCTCAACCAGAGAGCCAGGGCCCAGGCACGTGAGGGTGATGGGAAGACCC[GC>G]CCCCCCCCCCCACCTCGGAGCCCTCAGACCCAGCCTGCGGGGTGCCACGGCAGCCACTTA-3'

ClinVar aggregate classification (germline): Benign. Review status: criteria provided, multiple submitters, no conflicts (2 of 4 stars). 2 submissions from 2 submitters: Benign (2). Last evaluated 2024-07-15.

Submissions (2):

Unidad de Genómica Garrahan, Hospital de Pediatría Garrahan
Classification: Benign. Last evaluated: 2024-07-15. Review status: criteria provided, single submitter. Criteria: ACMG Guidelines, 2015. Collection method: clinical testing. Allele origin: germline. Affected: no. Observed: 53 variant alleles.
Comment: This variant is classified as Benign based on local population frequency. This variant was detected in 57% of patients studied in a panel designed for Epileptic and Developmental Encephalopathy and Progressive Myoclonus Epilepsy. Number of patients: 53. Only high quality variants are reported.

GeneDx
Classification: Benign. Last evaluated: 2019-08-11. Review status: criteria provided, single submitter. Criteria: GeneDx Variant Classification Process June 2021. Collection method: clinical testing. Allele origin: germline. Affected: yes.